The following is an entry in ClinVar:

NM_001267550.2(TTN):c.88210del (p.Ser29404fs)

Genes: TTN (titin; minus strand), TTN-AS1 (TTN antisense RNA 1; plus strand). Cytogenetic location: 2q31.2.
Variant type: Deletion.
Coding change: c.88210del on transcript NM_001267550.2 (MANE Select); coding-DNA position 88210, one base deleted (T; older notation c.88210delT).
Protein change: p.Ser29404fs; shifts the reading frame from serine 29404.
Molecular consequence: frameshift variant.
Genome position (GRCh38, 1-based): chr2:178,556,944, A deleted on the plus strand (T on the coding strand, the reverse complement: TTN is on the minus strand); the first of 2 consecutive A bases (chr2:178,556,944-178,556,945); deleting either gives the same sequence. VCF-style (leftmost placement, unchanged base first): chr2-178556943-GA-G. GRCh37 (hg19) VCF-style: chr2-179421670-GA-G.
Other names: c.83287del, p.Ser27763fs (NM_001256850.1); c.61015del, p.Ser20339fs (NM_003319.4); c.80506del, p.Ser26836fs (NM_133378.4); c.61390del, p.Ser20464fs (NM_133432.3); c.61591del, p.Ser20531fs (NM_133437.4); short protein forms S20464fs, S29404fs, S27763fs, S20339fs, S20531fs, S26836fs.
Identifiers: ClinVar variation 4784288 (VCV004784288.1).

ClinVar aggregate classification (germline): Likely pathogenic (1 of 4 stars; one submission).

Conditions:
Dilated cardiomyopathy 1G (CMD1G). Identifiers: Orphanet 154, MedGen C1858763, MONDO:0011400, OMIM 604145.
Autosomal recessive limb-girdle muscular dystrophy type 2J (LGMDR10). Also called: Limb-girdle muscular dystrophy, type 2J; MUSCULAR DYSTROPHY, LIMB-GIRDLE, AUTOSOMAL RECESSIVE 10. Identifiers: Orphanet 140922, MedGen C1837342, MONDO:0012127, OMIM 608807.

Submission:

Labcorp Genetics (formerly Invitae), Labcorp
Classification: Likely pathogenic for Dilated cardiomyopathy 1G; Autosomal recessive limb-girdle muscular dystrophy type 2J. Last evaluated: 2025-03-09. Review status: criteria provided, single submitter. Criteria: Invitae Variant Classification Sherloc (09022015). Collection method: clinical testing. Allele origin: germline.
Comment: This sequence change creates a premature translational stop signal (p.Ser29404Profs*23) in the TTN gene. While this is not anticipated to result in nonsense mediated decay, it is expected to create a truncated TTN protein. This variant is not present in population databases (gnomAD no frequency). This variant has not been reported in the literature in individuals affected with TTN-related conditions. This variant is located in the A band of TTN (PMID: 25589632). Truncating variants in this region are significantly overrepresented in patients affected with dilated cardiomyopathy (PMID: 25589632). Truncating variants in this region have also been reported in individuals affected with autosomal recessive centronuclear myopathy (PMID: 23975875). In summary, the currently available evidence indicates that the variant is pathogenic, but additional data are needed to prove that conclusively. Therefore, this variant has been classified as Likely Pathogenic.

Literature cited by the submitters: PubMed 25589632; PubMed 23975875.